The following is an entry in ClinVar:

NM_012431.3(SEMA3E):c.687T>C (p.Gly229=)

Gene: SEMA3E (semaphorin 3E; minus strand). Cytogenetic location: 7q21.11.
Variant type: single nucleotide variant.
Coding change: c.687T>C on transcript NM_012431.3 (MANE Select); coding-DNA position 687, T replaced by C.
Protein change: p.Gly229=; no amino-acid change (glycine 229 retained).
Molecular consequence: synonymous variant.
Genome position (GRCh38, 1-based): chr7:83,407,223, A>G on the plus strand (T>C on the coding strand, the complement: SEMA3E is on the minus strand). VCF-style: chr7-83407223-A-G. GRCh37 (hg19) VCF-style: chr7-83036539-A-G.
Other names: c.507T>C, p.Gly169= (NM_001178129.2); c.687T>C (NM_012431.2).
Identifiers: ClinVar variation 4743487 (VCV004743487.2).

ClinVar aggregate classification (germline): Likely benign. Review status: criteria provided, multiple submitters, no conflicts (2 of 4 stars). 2 submissions from 2 submitters: Likely benign (2). Last evaluated 2025-09-23.

Conditions:
CHARGE syndrome (CHARGE). Also called: Hittner Hirsch Kreh syndrome; CHARGE ASSOCIATION--COLOBOMA, HEART ANOMALY, CHOANAL ATRESIA, RETARDATION, GENITAL AND EAR ANOMALIES; Coloboma, heart anomaly, choanal atresia, retardation, genital and ear anomalies; CHARGE association; Hall-Hittner syndrome. Identifiers: Orphanet 138, MedGen C0265354, MONDO:0008965.
SEMA3E-related disorder. Also called: SEMA3E-related condition.

Submissions (2):

PreventionGenetics, part of Exact Sciences
Classification: Likely benign for SEMA3E-related condition. Last evaluated: 2025-09-23. Review status: criteria provided, single submitter. Criteria: ACMG Guidelines, 2015. Collection method: clinical testing. Allele origin: germline.
Comment: This variant is classified as likely benign based on ACMG/AMP sequence variant interpretation guidelines (Richards et al. 2015 PMID: 25741868, with internal and published modifications).

Labcorp Genetics (formerly Invitae), Labcorp
Classification: Likely benign for CHARGE syndrome. Last evaluated: 2025-07-19. Review status: criteria provided, single submitter. Criteria: Invitae Variant Classification Sherloc (09022015). Collection method: clinical testing. Allele origin: germline.